The following is an entry in ClinVar:

ClinVar aggregate classification (germline): Uncertain significance (1 of 4 stars; one submission).

Conditions:
Hereditary cancer-predisposing syndrome. Also called: Neoplastic Syndromes, Hereditary; Tumor predisposition; Hereditary neoplastic syndrome; Hereditary Cancer Syndrome. Identifiers: Orphanet 140162, MedGen C0027672, MeSH D009386, MONDO:0015356.

Submission:

Ambry Genetics
Classification: Uncertain significance for Hereditary cancer-predisposing syndrome. Last evaluated: 2026-09-03. Review status: criteria provided, single submitter. Criteria: Ambry Variant Classification Scheme 2023. Collection method: clinical testing. Allele origin: germline.
Comment: The p.F289I variant (also known as c.865T>A), located in coding exon 6 of the FH gene, results from a T to A substitution at nucleotide position 865. The phenylalanine at codon 289 is replaced by isoleucine, an amino acid with highly similar properties. This amino acid position is conserved. In addition, this alteration is predicted to be deleterious by in silico analysis. Based on the available evidence, the clinical significance of this variant remains unclear.

NM_000143.4(FH):c.865T>A (p.Phe289Ile)

Gene: FH (fumarate hydratase; minus strand). Cytogenetic location: 1q43.
Variant type: single nucleotide variant.
Coding change: c.865T>A on transcript NM_000143.4 (MANE Select); coding-DNA position 865, T replaced by A.
Protein change: p.Phe289Ile; replaces phenylalanine 289 with isoleucine.
Molecular consequence: missense variant.
Genome position (GRCh38, 1-based): chr1:241,506,042, A>T on the plus strand (T>A on the coding strand, the complement: FH is on the minus strand). VCF-style: chr1-241506042-A-T. GRCh37 (hg19) VCF-style: chr1-241669342-A-T.
Other names: short protein forms F289I.
Identifiers: ClinVar variation 5021790 (VCV005021790.1).